The following is an entry in ClinVar:

ClinVar aggregate classification (germline): Uncertain significance (1 of 4 stars; one submission).

Conditions:
Familial focal epilepsy with variable foci (FPEVF). Identifiers: Orphanet 98820, MedGen C1858477, MONDO:0020310.

Allele frequency attached by ClinVar (database versions not stated): gnomAD exomes below 0.00001.
gnomAD v4.1: 3 of 1,611,682 alleles (0.00019%); highest among the groups gnomAD compares: Non-Finnish European, 0.00025%; no homozygotes.

Submission:

Labcorp Genetics (formerly Invitae), Labcorp
Classification: Uncertain significance for Familial focal epilepsy with variable foci. Last evaluated: 2025-09-10. Review status: criteria provided, single submitter. Criteria: Invitae Variant Classification Sherloc (09022015). Collection method: clinical testing. Allele origin: germline.
Comment: This sequence change replaces histidine, which is basic and polar, with glutamine, which is neutral and polar, at codon 1212 of the DEPDC5 protein (p.His1212Gln). This variant is not present in population databases (gnomAD no frequency). This variant has not been reported in the literature in individuals affected with DEPDC5-related conditions. ClinVar contains an entry for this variant (Variation ID: 1025215). Experimental studies and prediction algorithms are not available or were not evaluated, and the functional significance of this variant is currently unknown. In summary, the available evidence is currently insufficient to determine the role of this variant in disease. Therefore, it has been classified as a Variant of Uncertain Significance.

NM_001242896.3(DEPDC5):c.3636C>G (p.His1212Gln)

Gene: DEPDC5 (DEP domain containing 5, GATOR1 subcomplex subunit; plus strand). Cytogenetic location: 22q12.3.
Variant type: single nucleotide variant.
Coding change: c.3636C>G on transcript NM_001242896.3 (MANE Select); coding-DNA position 3636, C replaced by G.
Protein change: p.His1212Gln; replaces histidine 1212 with glutamine.
Molecular consequence: missense variant. On other transcripts: non-coding transcript variant (4).
Genome position (GRCh38, 1-based): chr22:31,874,345, C>G. VCF-style: chr22-31874345-C-G. GRCh37 (hg19) VCF-style: chr22-32270331-C-G.
Other names: c.3609C>G, p.His1203Gln (NM_001136029.4); c.3336C>G, p.His1112Gln (NM_001242897.2); c.3570C>G, p.His1190Gln (NM_001363852.2, NM_001364320.2); c.3402C>G, p.His1134Gln (NM_001363854.2, NM_001364319.2); c.3636C>G, p.His1212Gln (NM_001364318.2); c.3552C>G, p.His1184Gln (NM_001369901.1, NM_001369902.1); c.3543C>G, p.His1181Gln (NM_001369903.1, NM_014662.6); short protein forms H1112Q, H1134Q, H1181Q, H1184Q, H1190Q, H1203Q, H1212Q.
Identifiers: ClinVar variation 1025215 (VCV001025215.8), dbSNP rs2092933328, ClinGen allele CA411277878.
Genomic context (GRCh38, chr22:31,874,345, plus strand): 5'-GCTGCTCTCTGAACAGAAGGGCCTCTCACCGTACTGCTTCATCAGCGCGGAGGTGGTACA[C>G]TGGTTGGTGAACCACGTGGAGGGGATCCAGACACAGGCGATGGCCATTGACATCATGCAG-3'
Protein context (NP_001229825.1, residues 1202-1222): PYCFISAEVV[His1212Gln]WLVNHVEGIQ